The following is an entry in ClinVar:

ClinVar aggregate classification (germline): Uncertain significance. Review status: criteria provided, multiple submitters, no conflicts (2 of 4 stars). 2 submissions from 2 submitters: Uncertain significance (2). Last evaluated 2024-12-22.

Conditions:
Emery-Dreifuss muscular dystrophy 5, autosomal dominant (EDMD5). Also called: EMERY-DREIFUSS MUSCULAR DYSTROPHY 5. Identifiers: Orphanet 261, MedGen C2751805, MONDO:0013072, OMIM 612999.

Allele frequency attached by ClinVar (database versions not stated): TOPMed 0.00001; ExAC 0.00002; gnomAD 0.00002.
gnomAD v4.1: 16 of 1,612,558 alleles (0.00099%); highest among the groups gnomAD compares: Admixed American, 0.005%; no homozygotes.

Submissions (2):

Ambry Genetics
Classification: Uncertain significance. Last evaluated: 2024-12-22. Review status: criteria provided, single submitter. Criteria: Ambry Variant Classification Scheme 2023. Collection method: clinical testing. Allele origin: germline.

Labcorp Genetics (formerly Invitae), Labcorp
Classification: Uncertain significance for Emery-Dreifuss muscular dystrophy 5, autosomal dominant. Last evaluated: 2024-05-06. Review status: criteria provided, single submitter. Criteria: Invitae Variant Classification Sherloc (09022015). Collection method: clinical testing. Allele origin: germline.
Comment: This sequence change replaces arginine, which is basic and polar, with cysteine, which is neutral and slightly polar, at codon 3247 of the SYNE2 protein (p.Arg3247Cys). This variant is present in population databases (rs752161985, gnomAD 0.01%). This variant has not been reported in the literature in individuals affected with SYNE2-related conditions. ClinVar contains an entry for this variant (Variation ID: 2186062). An algorithm developed to predict the effect of missense changes on protein structure and function (PolyPhen-2) suggests that this variant is likely to be tolerated. In summary, the available evidence is currently insufficient to determine the role of this variant in disease. Therefore, it has been classified as a Variant of Uncertain Significance.

NM_182914.3(SYNE2):c.9739C>T (p.Arg3247Cys)

Gene: SYNE2 (spectrin repeat containing nuclear envelope protein 2; plus strand). Cytogenetic location: 14q23.2.
Variant type: single nucleotide variant.
Coding change: c.9739C>T on transcript NM_182914.3 (MANE Select); coding-DNA position 9739, C replaced by T.
Protein change: p.Arg3247Cys; replaces arginine 3247 with cysteine.
Molecular consequence: missense variant.
Genome position (GRCh38, 1-based): chr14:64,053,652, C>T. VCF-style: chr14-64053652-C-T. GRCh37 (hg19) VCF-style: chr14-64520370-C-T.
Other names: c.9739C>T, p.Arg3247Cys (NM_015180.6); c.9739C>T (NM_182914.2); short protein forms R3247C.
Identifiers: ClinVar variation 2186062 (VCV002186062.5), dbSNP rs752161985, ClinGen allele CA7221321.
Genomic context (GRCh38, chr14:64,053,652, plus strand): 5'-GAGACAAAACTACGTGAGTTTGAAGATCTTCAGATGCAGCTTAACACAAGCATTGATTTG[C>T]GCACAGTAAGTTTTAAAAATTATGCAGTTAGTGGCTGGGTGCGGGGGCTCACGCCTGTAA-3'
Protein context (NP_878918.2, residues 3237-3257): QMQLNTSIDL[Arg3247Cys]TNVLNDAYEN